The following is an entry in ClinVar:

ClinVar aggregate classification (germline): Uncertain significance (1 of 4 stars; one submission).

Submission:

Labcorp Genetics (formerly Invitae), Labcorp
Classification: Uncertain significance. Last evaluated: 2021-02-28. Review status: criteria provided, single submitter. Criteria: Invitae Variant Classification Sherloc (09022015). Collection method: clinical testing. Allele origin: germline.
Comment: This sequence change replaces leucine with proline at codon 3080 of the FREM2 protein (p.Leu3080Pro). The leucine residue is moderately conserved and there is a moderate physicochemical difference between leucine and proline. This variant is not present in population databases (ExAC no frequency). This variant has not been reported in the literature in individuals with FREM2-related conditions. Algorithms developed to predict the effect of missense changes on protein structure and function are either unavailable or do not agree on the potential impact of this missense change (SIFT: "Deleterious"; PolyPhen-2: "Probably Damaging"; Align-GVGD: "Class C0"). In summary, the available evidence is currently insufficient to determine the role of this variant in disease. Therefore, it has been classified as a Variant of Uncertain Significance.

NM_207361.6(FREM2):c.9239T>C (p.Leu3080Pro)

Gene: FREM2 (FRAS1 related extracellular matrix 2; plus strand). Cytogenetic location: 13q13.3.
Variant type: single nucleotide variant.
Coding change: c.9239T>C on transcript NM_207361.6 (MANE Select); coding-DNA position 9239, T replaced by C.
Protein change: p.Leu3080Pro; replaces leucine 3080 with proline.
Molecular consequence: missense variant.
Genome position (GRCh38, 1-based): chr13:38,880,516, T>C. VCF-style: chr13-38880516-T-C. GRCh37 (hg19) VCF-style: chr13-39454653-T-C.
Other names: short protein forms L3080P.
Identifiers: ClinVar variation 1347201 (VCV001347201.8), dbSNP rs2137942953, ClinGen allele CA387910894.
Genomic context (GRCh38, chr13:38,880,516, plus strand): 5'-CACTGGCATGGGAGATTGGTGCTGAAAACAGTCGAGGAACAAACATCCAGCACATTGCCC[T>C]GGACCGCACCAAGAGGCAGATCCCCCATGGGAGAGCACCTCCAGATGGCATCCTCCCCTG-3'
Protein context (NP_997244.4, residues 3070-3090): SRGTNIQHIA[Leu3080Pro]DRTKRQIPHG